The following is an entry in ClinVar:

ClinVar aggregate classification (germline): Uncertain significance. Review status: criteria provided, multiple submitters, no conflicts (2 of 4 stars). 3 submissions from 3 submitters: Uncertain significance (3). Last evaluated 2026-01-17.

Conditions:
Primary ciliary dyskinesia. Also called: Ciliary dyskinesia. Identifiers: Orphanet 244, MedGen C0008780, MONDO:0016575, HP:0012265.

Allele frequency attached by ClinVar (database versions not stated): gnomAD exomes below 0.00001; ExAC 0.00001.
gnomAD v4.1: 1 of 1,612,424 alleles (0.000062%); highest among the groups gnomAD compares: Non-Finnish European, 0.000085%; no homozygotes.

Submissions (3):

Labcorp Genetics (formerly Invitae), Labcorp
Classification: Uncertain significance for Primary ciliary dyskinesia. Last evaluated: 2026-01-17. Review status: criteria provided, single submitter. Criteria: Invitae Variant Classification Sherloc (09022015). Collection method: clinical testing. Allele origin: germline.
Comment: This sequence change falls in intron 34 of the DNAH11 gene. It does not directly change the encoded amino acid sequence of the DNAH11 protein. It affects a nucleotide within the consensus splice site. This variant is present in population databases (rs778273021, gnomAD 0.0009%). This variant has not been reported in the literature in individuals affected with DNAH11-related conditions. ClinVar contains an entry for this variant (Variation ID: 2070683). Variants that disrupt the consensus splice site are a relatively common cause of aberrant splicing (PMID: 17576681, 9536098). Algorithms developed to predict the effect of sequence changes on RNA splicing suggest that this variant may disrupt the consensus splice site. In summary, the available evidence is currently insufficient to determine the role of this variant in disease. Therefore, it has been classified as a Variant of Uncertain Significance.

GeneDx
Classification: Uncertain significance. Last evaluated: 2024-11-21. Review status: criteria provided, single submitter. Criteria: GeneDx Variant Classification Process June 2021. Collection method: clinical testing. Allele origin: germline. Affected: yes.
Comment: Not observed at significant frequency in large population cohorts (gnomAD); In silico analysis supports a deleterious effect on splicing; Has not been previously published as pathogenic or benign to our knowledge

Blueprint Genetics
Classification: Uncertain significance. Last evaluated: 2022-04-03. Review status: criteria provided, single submitter. Criteria: ACMG Guidelines, 2015. Collection method: clinical testing. Allele origin: germline.

Literature cited by the submitters: PubMed 17576681 (cited by Labcorp Genetics (formerly Invitae), Labcorp); PubMed 9536098 (cited by Labcorp Genetics (formerly Invitae), Labcorp).

NM_001277115.2(DNAH11):c.5924+5G>A

Gene: DNAH11 (dynein axonemal heavy chain 11; plus strand). Cytogenetic location: 7p15.3.
Variant type: single nucleotide variant.
Coding change: c.5924+5G>A on transcript NM_001277115.2 (MANE Select); 5 bases into the intron after coding-DNA position 5924, G replaced by A.
Molecular consequence: intron variant.
Genome position (GRCh38, 1-based): chr7:21,687,532, G>A. VCF-style: chr7-21687532-G-A. GRCh37 (hg19) VCF-style: chr7-21727150-G-A.
Identifiers: ClinVar variation 2070683 (VCV002070683.4), dbSNP rs778273021, ClinGen allele CA4180592.